The following is an entry in ClinVar:

NM_001348768.2(HECW2):c.896T>C (p.Leu299Pro)

Gene: HECW2 (HECT, C2 and WW domain containing E3 ubiquitin protein ligase 2; minus strand). Cytogenetic location: 2q32.3.
Variant type: single nucleotide variant.
Coding change: c.896T>C on transcript NM_001348768.2 (MANE Select); coding-DNA position 896, T replaced by C.
Protein change: p.Leu299Pro; replaces leucine 299 with proline.
Molecular consequence: missense variant. On other transcripts: intron variant (1).
Genome position (GRCh38, 1-based): chr2:196,320,428, A>G on the plus strand (T>C on the coding strand, the complement: HECW2 is on the minus strand). VCF-style: chr2-196320428-A-G. GRCh37 (hg19) VCF-style: chr2-197185152-A-G.
Other names: c.896T>C, p.Leu299Pro (NM_020760.4); c.-83-524T>C (NM_001304840.3); short protein forms L299P.
Identifiers: ClinVar variation 3253140 (VCV003253140.2), dbSNP rs2469053997.

ClinVar aggregate classification (germline): Uncertain significance (1 of 4 stars; one submission).

Allele frequency attached by ClinVar (database versions not stated): gnomAD exomes below 0.00001.
gnomAD v4.1: 2 of 1,610,474 alleles (0.00012%); highest among the groups gnomAD compares: Non-Finnish European, 0.00017%; no homozygotes.

Submission:

GeneDx
Classification: Uncertain significance. Last evaluated: 2026-06-22. Review status: criteria provided, single submitter. Criteria: GeneDx Variant Classification Process June 2021. Collection method: clinical testing. Allele origin: germline.
Comment: Not observed at significant frequency in large population cohorts (gnomAD); In silico analysis suggests that this missense variant does not alter protein structure/function; Has not been previously published as pathogenic or benign to our knowledge